The following is an entry in ClinVar:

NM_004360.5(CDH1):c.921A>G (p.Gln307=)

Gene: CDH1 (cadherin 1; plus strand). Cytogenetic location: 16q22.1.
Variant type: single nucleotide variant.
Coding change: c.921A>G on transcript NM_004360.5 (MANE Select); coding-DNA position 921, A replaced by G.
Protein change: p.Gln307=; no amino-acid change (glutamine 307 retained).
Molecular consequence: synonymous variant. On other transcripts: 5 prime UTR variant (2).
Genome position (GRCh38, 1-based): chr16:68,811,772, A>G. VCF-style: chr16-68811772-A-G. GRCh37 (hg19) VCF-style: chr16-68845675-A-G.
Other names: c.921A>G, p.Gln307= (NM_001317184.2); c.921A>G (LRG_301t1); c.-695A>G (NM_001317185.2); c.-899A>G (NM_001317186.2).
Identifiers: ClinVar variation 233141 (VCV000233141.15), dbSNP rs876660221, ClinGen allele CA10580098.

ClinVar aggregate classification (germline): Benign/Likely benign. Review status: criteria provided, multiple submitters, no conflicts (2 of 4 stars). 4 submissions from 4 submitters: Benign (1); Likely benign (3). Last evaluated 2025-12-20.

Conditions:
Hereditary cancer-predisposing syndrome. Also called: Tumor predisposition; Hereditary Cancer Syndrome; Hereditary neoplastic syndrome; Neoplastic Syndromes, Hereditary. Identifiers: Orphanet 140162, MedGen C0027672, MeSH D009386, MONDO:0015356.
Hereditary diffuse gastric adenocarcinoma (HDGC). Also called: DIFFUSE GASTRIC AND LOBULAR BREAST CANCER SYNDROME. Identifiers: Orphanet 26106, MedGen C1708349, MONDO:0007648, OMIM 137215.

Allele frequency attached by ClinVar (database versions not stated): gnomAD exomes below 0.00001.
gnomAD v4.1: 5 of 1,614,150 alleles (0.00031%); highest among the groups gnomAD compares: Non-Finnish European, 0.00042%; no homozygotes.

Submissions (4):

Labcorp Genetics (formerly Invitae), Labcorp
Classification: Likely benign for Hereditary diffuse gastric adenocarcinoma. Last evaluated: 2025-12-20. Review status: criteria provided, single submitter. Criteria: Invitae Variant Classification Sherloc (09022015). Collection method: clinical testing. Allele origin: germline.

Myriad Genetics, Inc.
Classification: Benign for Hereditary diffuse gastric adenocarcinoma. Last evaluated: 2024-09-17. Review status: criteria provided, single submitter. Criteria: Myriad Autosomal Dominant, Autosomal Recessive and X-Linked Classification Criteria (2023). Collection method: clinical testing. Allele origin: unknown.
Comment: This variant is considered benign. This variant is a silent/synonymous amino acid change and it is not expected to impact splicing.

Color Diagnostics, LLC DBA Color Health
Classification: Likely benign for Hereditary cancer-predisposing syndrome. Last evaluated: 2020-11-06. Review status: criteria provided, single submitter. Criteria: ACMG Guidelines, 2015. Collection method: clinical testing. Allele origin: germline.

Ambry Genetics
Classification: Likely benign for Hereditary cancer-predisposing syndrome. Last evaluated: 2019-02-25. Review status: criteria provided, single submitter. Criteria: Ambry Variant Classification Scheme 2023. Collection method: clinical testing. Allele origin: germline.